The following is an entry in ClinVar:

ClinVar aggregate classification (germline): Uncertain significance (1 of 4 stars; one submission).

Conditions:
Hereditary cancer-predisposing syndrome. Also called: Hereditary neoplastic syndrome; Neoplastic Syndromes, Hereditary; Tumor predisposition; Hereditary Cancer Syndrome. Identifiers: Orphanet 140162, MedGen C0027672, MeSH D009386, MONDO:0015356.

Submission:

Labcorp Genetics (formerly Invitae), Labcorp
Classification: Uncertain significance for Hereditary cancer-predisposing syndrome. Last evaluated: 2021-08-10. Review status: criteria provided, single submitter. Criteria: Invitae Variant Classification Sherloc (09022015). Collection method: clinical testing. Allele origin: germline.
Comment: In summary, the available evidence is currently insufficient to determine the role of this variant in disease. Therefore, it has been classified as a Variant of Uncertain Significance. Algorithms developed to predict the effect of missense changes on protein structure and function (SIFT, PolyPhen-2, Align-GVGD) all suggest that this variant is likely to be tolerated. This variant has not been reported in the literature in individuals affected with RAD50-related conditions. This variant is not present in population databases (ExAC no frequency). This sequence change replaces arginine with lysine at codon 1038 of the RAD50 protein (p.Arg1038Lys). The arginine residue is moderately conserved and there is a small physicochemical difference between arginine and lysine.

NM_005732.4(RAD50):c.3113G>A (p.Arg1038Lys)

Gene: RAD50 (RAD50 double strand break repair protein; plus strand). Cytogenetic location: 5q31.1.
Variant type: single nucleotide variant.
Coding change: c.3113G>A on transcript NM_005732.4 (MANE Select); coding-DNA position 3113, G replaced by A.
Protein change: p.Arg1038Lys; replaces arginine 1038 with lysine.
Molecular consequence: missense variant.
Genome position (GRCh38, 1-based): chr5:132,616,079, G>A. VCF-style: chr5-132616079-G-A. GRCh37 (hg19) VCF-style: chr5-131951771-G-A.
Other names: short protein forms R1038K.
Identifiers: ClinVar variation 1511672 (VCV001511672.6), dbSNP rs1581008446, ClinGen allele CA360963690.